The following continues an entry in ClinVar:

NM_000256.3(MYBPC3):c.2309-2A>G

Gene: MYBPC3. ClinVar aggregate classification (germline): Pathogenic. Pathogenic (14).

Submissions 13 to 14 of 14:

Women's Health and Genetics/Laboratory Corporation of America, LabCorp
Classification: Pathogenic for Primary familial hypertrophic cardiomyopathy. Last evaluated: 2019-07-01. Review status: criteria provided, single submitter. Criteria: LabCorp Variant Classification Summary - May 2015. Collection method: clinical testing. Allele origin: germline.
Comment: Variant summary: MYBPC3 c.2309-2A>G is located in a canonical splice-site and is predicted to affect mRNA splicing resulting in a significantly altered protein due to either exon skipping, shortening, or inclusion of intronic material. Several computational tools predict a significant impact on normal splicing: Four predict the variant abolishes canonical a 3' acceptor site. However, these predictions have yet to be confirmed by functional studies. The variant was absent in 149798 control chromosomes. c.2309-2A>G has been reported in the literature in multiple individuals affected with Hypertrophic Cardiomyopathy (Biagini_2014, Calore_2015, Coppini_2014, Girolami_2006, Nunez_2013, Roncarati_2011, VanDriest_2004, Witjas-Paalberends_2014). These data indicate that the variant is very likely to be associated with disease. To our knowledge, no experimental evidence demonstrating an impact on protein function has been reported. Five clinical diagnostic laboratories have submitted clinical-significance assessments for this variant to ClinVar after 2014 without evidence for independent evaluation. All laboratories classified the variant as pathogenic. Based on the evidence outlined above, the variant was classified as pathogenic.

Laboratory for Molecular Medicine, Mass General Brigham Personalized Medicine
Classification: Pathogenic for Hypertrophic cardiomyopathy. Last evaluated: 2015-08-06. Review status: criteria provided, single submitter. Criteria: LMM Criteria. Collection method: clinical testing. Allele origin: germline. Inheritance: Autosomal dominant inheritance. Observed: 16 variant alleles.
Comment: The c.2309-2A>G variant in MYBPC3 has been reported in 2 individuals with HCM an d was absent from 400 control chromosomes (Van Driest 2004, Roncarati 2011). Thi s variant has also been identified by our laboratory in 9 individuals with HCM a nd segregated with disease in two affected family members. This variant is locat ed in the invariant splice region (+/- 1,2) of the splice consensus sequence and is predicted to cause altered splicing leading to an abnormal or absent protein . MYBPC3 variants resulting in a heterozygous loss of function are strongly ass ociated with HCM. In summary, this variant meets criteria to be classified as pa thogenic based upon the predicted impact of the variant.

Literature cited by the submitters: PubMed 16199547 (cited by Labcorp Genetics (formerly Invitae), Labcorp); PubMed 19574547 (cited by Labcorp Genetics (formerly Invitae), Labcorp and Variantyx, Inc.); PubMed 15519027 (cited by 7 submitters); PubMed 21302287 (cited by 7 submitters); PubMed 24704860 (cited by 4 submitters); PubMed 25740977 (cited by 5 submitters); PubMed 27483260 (cited by 5 submitters); PubMed 27600940 (cited by 5 submitters); PubMed 27532257 (cited by 4 submitters); PubMed 31589614 (cited by Variantyx, Inc.); PubMed 32746448 (cited by 4 submitters); PubMed 34542152 (cited by Variantyx, Inc. and Mayo Clinic Laboratories, Mayo Clinic); PubMed 34714385 (cited by Variantyx, Inc. and Mayo Clinic Laboratories, Mayo Clinic); PubMed 37089884 (cited by Variantyx, Inc. and Mayo Clinic Laboratories, Mayo Clinic); PubMed 37652022 (cited by Variantyx, Inc. and Mayo Clinic Laboratories, Mayo Clinic); PubMed 26656175 (cited by Mayo Clinic Laboratories, Mayo Clinic and All of Us Research Program, National Institutes of Health); PubMed 28408708 (cited by 3 submitters); PubMed 28615295 (cited by Mayo Clinic Laboratories, Mayo Clinic and Color Diagnostics, LLC DBA Color Health); PubMed 23782526 (cited by 3 submitters); PubMed 24835277 (cited by 3 submitters); PubMed 25611685 (cited by Color Diagnostics, LLC DBA Color Health); PubMed 28790153 (cited by Color Diagnostics, LLC DBA Color Health); PubMed 29875424 (cited by Color Diagnostics, LLC DBA Color Health); PubMed 31424582 (cited by Color Diagnostics, LLC DBA Color Health and All of Us Research Program, National Institutes of Health); PubMed 32481709 (cited by Color Diagnostics, LLC DBA Color Health); PubMed 33495596 (cited by Color Diagnostics, LLC DBA Color Health); PubMed 37821546 (cited by Color Diagnostics, LLC DBA Color Health); PubMed 25351510 (cited by Ambry Genetics); PubMed 16858239 (cited by Women's Health and Genetics/Laboratory Corporation of America, LabCorp); PubMed 25524337 (cited by Women's Health and Genetics/Laboratory Corporation of America, LabCorp); PubMed 25037680 (cited by Women's Health and Genetics/Laboratory Corporation of America, LabCorp).